The following is an entry in ClinVar:

ClinVar aggregate classification (germline): Uncertain significance. Review status: criteria provided, multiple submitters, no conflicts (2 of 4 stars). 4 submissions from 4 submitters: Uncertain significance (4). Last evaluated 2026-01-21.

Conditions:
Hyperekplexia 3 (HKPX3). Also called: HYPEREKPLEXIA 3, AUTOSOMAL RECESSIVE; HYPEREKPLEXIA 3, AUTOSOMAL DOMINANT. Identifiers: Orphanet 3197, MedGen C3553288, MONDO:0013827, OMIM 614618.
Inborn genetic diseases. Identifiers: MedGen C0950123, MeSH D030342.

Allele frequency attached by ClinVar (database versions not stated): TOPMed below 0.00001; gnomAD 0.00001; gnomAD exomes 0.00001.

Submissions (4):

GeneDx
Classification: Uncertain significance. Last evaluated: 2026-01-21. Review status: criteria provided, single submitter. Criteria: GeneDx Variant Classification Process June 2021. Collection method: clinical testing. Allele origin: germline. Affected: yes.
Comment: Has not been previously published as pathogenic or benign to our knowledge; In silico analysis supports that this missense variant has a deleterious effect on protein structure/function; Not observed at significant frequency in large population cohorts (gnomAD)

Ambry Genetics
Classification: Uncertain significance for Inborn genetic diseases. Last evaluated: 2025-08-07. Review status: criteria provided, single submitter. Criteria: Ambry Variant Classification Scheme 2023. Collection method: clinical testing. Allele origin: germline.

Labcorp Genetics (formerly Invitae), Labcorp
Classification: Uncertain significance for Hyperekplexia 3. Last evaluated: 2022-08-10. Review status: criteria provided, single submitter. Criteria: Invitae Variant Classification Sherloc (09022015). Collection method: clinical testing. Allele origin: germline.
Comment: In summary, the available evidence is currently insufficient to determine the role of this variant in disease. Therefore, it has been classified as a Variant of Uncertain Significance. Advanced modeling of protein sequence and biophysical properties (such as structural, functional, and spatial information, amino acid conservation, physicochemical variation, residue mobility, and thermodynamic stability) performed at Invitae indicates that this missense variant is not expected to disrupt SLC6A5 protein function. ClinVar contains an entry for this variant (Variation ID: 581456). This missense change has been observed in individual(s) with clinical features of SLC6A5-related¬†conditions (Invitae). It has also been observed to segregate with disease in related individuals. This variant is present in population databases (rs753023936, gnomAD 0.0009%). This sequence change replaces serine, which is neutral and polar, with phenylalanine, which is neutral and non-polar, at codon 638 of the SLC6A5 protein (p.Ser638Phe).

Baylor Genetics
Classification: Uncertain significance for Hyperekplexia 3. Last evaluated: 2022-05-11. Review status: criteria provided, single submitter. Criteria: ACMG Guidelines, 2015. Collection method: clinical testing. Allele origin: unknown.

NM_004211.5(SLC6A5):c.1913C>T (p.Ser638Phe)

Gene: SLC6A5 (solute carrier family 6 member 5; plus strand). Cytogenetic location: 11p15.1.
Variant type: single nucleotide variant.
Coding change: c.1913C>T on transcript NM_004211.5 (MANE Select); coding-DNA position 1913, C replaced by T.
Protein change: p.Ser638Phe; replaces serine 638 with phenylalanine.
Molecular consequence: missense variant.
Genome position (GRCh38, 1-based): chr11:20,638,502, C>T. VCF-style: chr11-20638502-C-T. GRCh37 (hg19) VCF-style: chr11-20660048-C-T.
Other names: c.1211C>T, p.Ser404Phe (NM_001318369.2); short protein forms S638F, S404F.
Identifiers: ClinVar variation 581456 (VCV000581456.11), dbSNP rs753023936, ClinGen allele CA218746131.